The following is an entry in ClinVar:

NM_022168.4(IFIH1):c.2420A>G (p.Tyr807Cys)

Gene: IFIH1 (interferon induced with helicase C domain 1; minus strand). Cytogenetic location: 2q24.2.
Variant type: single nucleotide variant.
Coding change: c.2420A>G on transcript NM_022168.4 (MANE Select); coding-DNA position 2420, A replaced by G.
Protein change: p.Tyr807Cys; replaces tyrosine 807 with cysteine.
Molecular consequence: missense variant.
Genome position (GRCh38, 1-based): chr2:162,273,829, T>C on the plus strand (A>G on the coding strand, the complement: IFIH1 is on the minus strand). VCF-style: chr2-162273829-T-C. GRCh37 (hg19) VCF-style: chr2-163130339-T-C.
Other names: c.2420A>G (NM_022168.2); short protein forms Y807C.
Identifiers: ClinVar variation 1004519 (VCV001004519.7), dbSNP rs752226580, ClinGen allele CA1934200.
Genomic context (GRCh38, chr2:162,273,829, plus strand): 5'-TAGTAAGTAGAGGTATTTGAATGTACCTGGACCATGGCTATTTCATTGGTGACGAGACCA[T>C]AACGGATAACAATGTTACATTCTTTAATATCCAGACCTTCTTCTGCCACTGTGGTAGCGA-3'
Protein context (NP_071451.2, residues 797-817): DIKECNIVIR[Tyr807Cys]GLVTNEIAMV

ClinVar aggregate classification (germline): Uncertain significance. Review status: criteria provided, multiple submitters, no conflicts (2 of 4 stars). 2 submissions from 2 submitters: Uncertain significance (2). Last evaluated 2024-06-03.

Conditions:
Singleton-Merten syndrome 1 (SGMRT1). Also called: Widened medullary cavities of bone, aortic calcification, abnormal dentition, and muscular weakness; Syndrome of widened medullary cavities of the metacarpals and phalanges, aortic calcification and abnormal dentition. Identifiers: Orphanet 85191, MedGen C4225427, MONDO:0024535, OMIM 182250.
Aicardi-Goutieres syndrome 7 (AGS7). Identifiers: Orphanet 51, MedGen C3888244, MONDO:0014367, OMIM 615846.
Inborn genetic diseases. Identifiers: MedGen C0950123, MeSH D030342.

Allele frequency attached by ClinVar (database versions not stated): gnomAD exomes below 0.00001 and 0.00001; ExAC 0.00001.
gnomAD v4.1: 10 of 1,607,942 alleles (0.00062%); highest among the groups gnomAD compares: Non-Finnish European, 0.00085%; no homozygotes.

Submissions (2):

Labcorp Genetics (formerly Invitae), Labcorp
Classification: Uncertain significance for Aicardi-Goutieres syndrome 7; Singleton-Merten syndrome 1. Last evaluated: 2024-06-03. Review status: criteria provided, single submitter. Criteria: Invitae Variant Classification Sherloc (09022015). Collection method: clinical testing. Allele origin: germline.
Comment: This sequence change replaces tyrosine, which is neutral and polar, with cysteine, which is neutral and slightly polar, at codon 807 of the IFIH1 protein (p.Tyr807Cys). This variant is present in population databases (rs752226580, gnomAD 0.0009%). This variant has not been reported in the literature in individuals affected with IFIH1-related conditions. ClinVar contains an entry for this variant (Variation ID: 1004519). Advanced modeling of protein sequence and biophysical properties (such as structural, functional, and spatial information, amino acid conservation, physicochemical variation, residue mobility, and thermodynamic stability) has been performed at Invitae for this missense variant, however the output from this modeling did not meet the statistical confidence thresholds required to predict the impact of this variant on IFIH1 protein function. In summary, the available evidence is currently insufficient to determine the role of this variant in disease. Therefore, it has been classified as a Variant of Uncertain Significance.

Ambry Genetics
Classification: Uncertain significance for Inborn genetic diseases. Last evaluated: 2023-12-13. Review status: criteria provided, single submitter. Criteria: Ambry Variant Classification Scheme 2023. Collection method: clinical testing. Allele origin: germline.